The following is an entry in ClinVar:

NM_004994.3(MMP9):c.773C>T (p.Thr258Ile)

Gene: MMP9 (matrix metallopeptidase 9; plus strand). Cytogenetic location: 20q13.12.
Variant type: single nucleotide variant.
Coding change: c.773C>T on transcript NM_004994.3 (MANE Select); coding-DNA position 773, C replaced by T.
Protein change: p.Thr258Ile; replaces threonine 258 with isoleucine.
Molecular consequence: missense variant.
Genome position (GRCh38, 1-based): chr20:46,011,266, C>T. VCF-style: chr20-46011266-C-T. GRCh37 (hg19) VCF-style: chr20-44639905-C-T.
Other names: short protein forms T258I.
Identifiers: ClinVar variation 284343 (VCV000284343.21), dbSNP rs41529445, ClinGen allele CA9886500.

ClinVar aggregate classification (germline): Conflicting classifications of pathogenicity. Review status: criteria provided, conflicting classifications (1 of 4 stars). 5 submissions from 5 submitters: Uncertain significance (4); Likely benign (1). Last evaluated 2026-01-24.

Conditions:
Metaphyseal anadysplasia 2 (MANDP2). Also called: Metaphyseal anadysplasia 2, autosomal recessive. Identifiers: Orphanet 1040, MedGen C2751322, MONDO:0013113, OMIM 613073.

Allele frequency attached by ClinVar (database versions not stated): ExAC 0.00092; gnomAD exomes 0.00097 and 0.00153; 1000 Genomes Project 0.00100; 1000 Genomes Project 30x 0.00109; TOPMed 0.00118; ESP Exome Variant Server 0.00131; gnomAD 0.00148 and 0.00151.
gnomAD v4.1: 2,481 of 1,611,326 alleles (0.15%); highest among the groups gnomAD compares: Non-Finnish European, 0.17%; 2 homozygotes.

Submissions (5):

Labcorp Genetics (formerly Invitae), Labcorp
Classification: Likely benign. Last evaluated: 2026-01-24. Review status: criteria provided, single submitter. Criteria: Invitae Variant Classification Sherloc (09022015). Collection method: clinical testing. Allele origin: germline.

Fulgent Genetics
Classification: Uncertain significance for Metaphyseal anadysplasia 2. Last evaluated: 2018-10-31. Review status: criteria provided, single submitter. Criteria: ACMG Guidelines, 2015. Collection method: clinical testing. Allele origin: unknown.

GeneDx
Classification: Uncertain significance. Last evaluated: 2018-10-26. Review status: criteria provided, single submitter. Criteria: GeneDx Variant Classification (06012015). Collection method: clinical testing. Allele origin: germline. Affected: yes.
Comment: The T258I variant in the MMP9 gene has not been reported previously as a pathogenic variant to our knowledge. This variant has been published in a study of the association between MMP9 genotype and abdominal aortic aneurysm, however, T258I did not show significantly different protein amount or enzymatic activity compared to wild-type (Duellman et al., 2012). The T258I variant is observed in 84/24,268 (0.35%) alleles from individuals of Finnish European background in large population cohorts (Lek et al., 2016). The T258I variant is a non-conservative amino acid substitution, which is likely to impact secondary protein structure as these residues differ in polarity, charge, size and/or other properties. Although in silico analyses, which includes protein predictors and evolutionary conservation, support a deleterious effect, in vitro functional studies demonstrate no damaging effect (Duellmen et al., 2012). We interpret T258I as a variant of uncertain significance.

Illumina Laboratory Services, Illumina
Classification: Uncertain significance for Metaphyseal anadysplasia 2. Last evaluated: 2017-04-27. Review status: criteria provided, single submitter. Criteria: ICSL Variant Classification Criteria 13 December 2019. Collection method: clinical testing. Allele origin: germline.
Comment: This variant was observed as part of a predisposition screen in an ostensibly healthy population. A literature search was performed for the gene, cDNA change, and amino acid change (where applicable). Publications were found based on this search. However, the evidence from the literature, in combination with allele frequency data from public databases where available, was not sufficient to rule this variant in or out of causing disease. Therefore, this variant is classified as a variant of unknown significance.

Eurofins Ntd Llc (ga)
Classification: Uncertain significance. Last evaluated: 2015-11-06. Review status: criteria provided, single submitter. Criteria: EGL Classification Definitions 2015. Collection method: clinical testing. Allele origin: germline. Observed: 1 variant allele, 1 heterozygote.

Literature cited by the submitters: PubMed 18035073 (cited by Illumina Laboratory Services, Illumina).